The following is an entry in ClinVar:

ClinVar aggregate classification (germline): Benign. Review status: criteria provided, multiple submitters, no conflicts (2 of 4 stars). 3 submissions from 3 submitters: Benign (3). Last evaluated 2026-02-02.

Conditions:
Congenital stationary night blindness 1C. Also called: Night blindness, congenital stationary (complete), 1C, autosomal recessive. Identifiers: Orphanet 215, MedGen C2750747, MONDO:0013183, OMIM 613216.

Allele frequency attached by ClinVar (database versions not stated): gnomAD exomes 0.00088 and 0.00240; ExAC 0.00297; gnomAD 0.00891 and 0.00956; ESP Exome Variant Server 0.01005; TOPMed 0.01029; 1000 Genomes Project 0.01058; 1000 Genomes Project 30x 0.01140.

Submissions (3):

Labcorp Genetics (formerly Invitae), Labcorp
Classification: Benign. Last evaluated: 2026-02-02. Review status: criteria provided, single submitter. Criteria: Invitae Variant Classification Sherloc (09022015). Collection method: clinical testing. Allele origin: germline.

Illumina Laboratory Services, Illumina
Classification: Benign for Congenital stationary night blindness 1C. Last evaluated: 2018-01-12. Review status: criteria provided, single submitter. Criteria: ICSL Variant Classification Criteria 13 December 2019. Collection method: clinical testing. Allele origin: germline.
Comment: This variant was observed in the ICSL laboratory as part of a predisposition screen in an ostensibly healthy population. It had not been previously curated by ICSL or reported in the Human Gene Mutation Database (HGMD: prior to June 1st, 2018), and was therefore a candidate for classification through an automated scoring system. Utilizing variant allele frequency, disease prevalence and penetrance estimates, and inheritance mode, an automated score was calculated to assess if this variant is too frequent to cause the disease. Based on the score and internal cut-off values, a variant classified as benign is not then subjected to further curation. The score for this variant resulted in a classification of benign for this disease.

Breakthrough Genomics
Classification: Benign. Review status: criteria provided, single submitter. Criteria: ACMG Guidelines, 2015. Collection method: not provided. Allele origin: germline. Inheritance: Unknown mechanism. Affected: yes.

NM_001252024.2(TRPM1):c.1644C>T (p.Tyr548=)

Gene: TRPM1 (transient receptor potential cation channel subfamily M member 1; minus strand). Cytogenetic location: 15q13.3.
Variant type: single nucleotide variant.
Coding change: c.1644C>T on transcript NM_001252024.2 (MANE Select); coding-DNA position 1644, C replaced by T.
Protein change: p.Tyr548=; no amino-acid change (tyrosine 548 retained).
Molecular consequence: synonymous variant.
Genome position (GRCh38, 1-based): chr15:31,047,231, G>A on the plus strand (C>T on the coding strand, the complement: TRPM1 is on the minus strand). VCF-style: chr15-31047231-G-A. GRCh37 (hg19) VCF-style: chr15-31339434-G-A.
Other names: c.1695C>T, p.Tyr565= (NM_001252020.2); c.1578C>T, p.Tyr526= (NM_002420.6).
Identifiers: ClinVar variation 729189 (VCV000729189.15), dbSNP rs34647453, ClinGen allele CA7452482.
Genomic context (GRCh38, chr15:31,047,231, plus strand): 5'-GCGGTAGGCTCCTCCCATGAGGTACTCCAGCACGAGCCCGATGTCTATGAGGCTGATGTG[G>A]TAATCAGGCGGAAGGTTGCTCTGTAAAAGAAGTCTGGTCTCAGGCCCTGTGAGAATGCGT-3'
Protein context (NP_001238953.1, residues 538-558): DVKKSNLPPD[Tyr548=]HISLIDIGLV